The following is an entry in ClinVar:

ClinVar aggregate classification (germline): Uncertain significance (1 of 4 stars; one submission).

Submission:

Labcorp Genetics (formerly Invitae), Labcorp
Classification: Uncertain significance. Last evaluated: 2025-05-04. Review status: criteria provided, single submitter. Criteria: Invitae Variant Classification Sherloc (09022015). Collection method: clinical testing. Allele origin: germline.
Comment: This sequence change replaces phenylalanine, which is neutral and non-polar, with leucine, which is neutral and non-polar, at codon 1599 of the SON protein (p.Phe1599Leu). This variant is not present in population databases (gnomAD no frequency). This variant has not been reported in the literature in individuals affected with SON-related conditions. An algorithm developed to predict the effect of missense changes on protein structure and function outputs the following: PolyPhen-2: "Benign". The leucine amino acid residue is found in multiple mammalian species, which suggests that this missense change does not adversely affect protein function. In summary, the available evidence is currently insufficient to determine the role of this variant in disease. Therefore, it has been classified as a Variant of Uncertain Significance.

NM_138927.4(SON):c.4795T>C (p.Phe1599Leu)

Gene: SON (SON DNA and RNA binding protein; plus strand). Cytogenetic location: 21q22.11.
Variant type: single nucleotide variant.
Coding change: c.4795T>C on transcript NM_138927.4 (MANE Select); coding-DNA position 4795, T replaced by C.
Protein change: p.Phe1599Leu; replaces phenylalanine 1599 with leucine.
Molecular consequence: missense variant. On other transcripts: non-coding transcript variant (1), intron variant (1).
Genome position (GRCh38, 1-based): chr21:33,554,026, T>C. VCF-style: chr21-33554026-T-C. GRCh37 (hg19) VCF-style: chr21-34926332-T-C.
Other names: c.4795T>C, p.Phe1599Leu (NM_001291411.2, NM_032195.3); c.245-3130T>C (NM_001291412.3); short protein forms F1599L.
Identifiers: ClinVar variation 4718906 (VCV004718906.1).
Genomic context (GRCh38, chr21:33,554,026, plus strand): 5'-GATACCTACCCTGGTGTTAGTGAAGCTGATGCAGGAGAAACTCTATCTTCTACTGGTCCT[T>C]TTGCTCTGGAACCTGATGCAACAGGAACTAGTAAGGGTATTGAATTTACCACAGCATCTA-3'
Protein context (NP_620305.3, residues 1589-1609): AGETLSSTGP[Phe1599Leu]ALEPDATGTS